The following is an entry in ClinVar:

NM_000702.4(ATP1A2):c.1461+5G>A

Gene: ATP1A2 (ATPase Na+/K+ transporting subunit alpha 2; plus strand). Cytogenetic location: 1q23.2.
Variant type: single nucleotide variant.
Coding change: c.1461+5G>A on transcript NM_000702.4 (MANE Select); 5 bases into the intron after coding-DNA position 1461, G replaced by A.
Molecular consequence: intron variant.
Genome position (GRCh38, 1-based): chr1:160,129,405, G>A. VCF-style: chr1-160129405-G-A. GRCh37 (hg19) VCF-style: chr1-160099195-G-A.
Identifiers: ClinVar variation 385392 (VCV000385392.30), dbSNP rs199906945, ClinGen allele CA1194479.

ClinVar aggregate classification (germline): Uncertain significance. Review status: criteria provided, multiple submitters, no conflicts (2 of 4 stars). 8 submissions from 7 submitters: Uncertain significance (8). Last evaluated 2025-12-03.

Conditions:
Inborn genetic diseases. Identifiers: MedGen C0950123, MeSH D030342.
Familial hemiplegic migraine. Identifiers: MedGen C0338484, MONDO:0000700.
Migraine, familial hemiplegic, 2. Identifiers: Orphanet 569, MedGen C1865322, MONDO:0011232, OMIM 602481.
Alternating hemiplegia of childhood 1 (AHC1). Identifiers: Orphanet 2131, MedGen C3549447, MONDO:0007087, OMIM 104290.

Allele frequency attached by ClinVar (database versions not stated): gnomAD 0.00005; TOPMed 0.00009.
gnomAD v4.1: 58 of 1,612,316 alleles (0.0036%); highest among the groups gnomAD compares: Admixed American, 0.022%; no homozygotes.

Submissions (8):

Labcorp Genetics (formerly Invitae), Labcorp
Classification: Uncertain significance for Familial hemiplegic migraine. Last evaluated: 2025-12-03. Review status: criteria provided, single submitter. Criteria: Invitae Variant Classification Sherloc (09022015). Collection method: clinical testing. Allele origin: germline.
Comment: This sequence change falls in intron 11 of the ATP1A2 gene. It does not directly change the encoded amino acid sequence of the ATP1A2 protein. It affects a nucleotide within the consensus splice site. This variant is present in population databases (rs199906945, gnomAD 0.02%). This variant has been observed in individual(s) with clinical features of developmental and epileptic encephalopathy (internal data). ClinVar contains an entry for this variant (Variation ID: 385392). Variants that disrupt the consensus splice site are a relatively common cause of aberrant splicing (PMID: 17576681, 9536098). Algorithms developed to predict the effect of sequence changes on RNA splicing suggest that this variant may disrupt the consensus splice site. In summary, the available evidence is currently insufficient to determine the role of this variant in disease. Therefore, it has been classified as a Variant of Uncertain Significance.

CeGaT Center for Human Genetics Tuebingen
Classification: Uncertain significance. Last evaluated: 2025-05-01. Review status: criteria provided, single submitter. Criteria: CeGaT Center For Human Genetics Tuebingen Variant Classification Criteria Version 2. Collection method: clinical testing. Allele origin: germline. Affected: yes. Observed: 1 variant allele.
Comment: ATP1A2: PM2

GeneDx
Classification: Uncertain significance. Last evaluated: 2024-09-13. Review status: criteria provided, single submitter. Criteria: GeneDx Variant Classification Process June 2021. Collection method: clinical testing. Allele origin: germline. Affected: yes.
Comment: Located in a region that tolerates variation and lacks pathogenic variants; Has not been previously published as pathogenic or benign to our knowledge; In silico analysis is inconclusive as to whether the variant alters gene splicing. In the absence of RNA/functional studies, the actual effect of this sequence change is unknown.

Blueprint Genetics
Classification: Uncertain significance. Last evaluated: 2024-08-20. Review status: criteria provided, single submitter. Criteria: ACMG Guidelines, 2015. Collection method: clinical testing. Allele origin: germline.

Athena Diagnostics
Classification: Uncertain significance. Last evaluated: 2023-09-15. Review status: criteria provided, single submitter. Criteria: Athena Diagnostics Criteria. Collection method: clinical testing. Allele origin: unknown.
Comment: Available data are insufficient to determine the clinical significance of the variant at this time. The frequency of this variant in the general population is higher than would generally be expected for pathogenic variants in this gene. Computational tools yielded predictions that this variant may interfere with normal RNA splicing.

Ambry Genetics
Classification: Uncertain significance for Inborn genetic diseases. Last evaluated: 2018-01-18. Review status: criteria provided, single submitter. Criteria: Ambry Variant Classification Scheme 2023. Collection method: clinical testing. Allele origin: germline.
Comment: The c.1461+5G>A intronic variant results from a G to A substitution 5 nucleotides after coding exon 11 in the ATP1A2 gene. This nucleotide position is well conserved in available vertebrate species. Using the BDGP and ESEfinder splice site prediction tools, this alteration is not predicted to have any significant effect on this splice donor site; however, direct evidence is unavailable. Since supporting evidence is limited at this time, the clinical significance of this alteration remains unclear.

Illumina Laboratory Services, Illumina
Classification: Uncertain significance for Migraine, familial hemiplegic, 2. Last evaluated: 2018-01-13. Review status: criteria provided, single submitter. Criteria: ICSL Variant Classification Criteria 13 December 2019. Collection method: clinical testing. Allele origin: germline.

Illumina Laboratory Services, Illumina
Classification: Uncertain significance for Alternating hemiplegia of childhood 1. Last evaluated: 2018-01-13. Review status: criteria provided, single submitter. Criteria: ICSL Variant Classification Criteria 13 December 2019. Collection method: clinical testing. Allele origin: germline.

Literature cited by the submitters: PubMed 17576681 (cited by Labcorp Genetics (formerly Invitae), Labcorp); PubMed 9536098 (cited by Labcorp Genetics (formerly Invitae), Labcorp).